The following is an entry in ClinVar:

NM_022166.4(XYLT1):c.1245del (p.Trp416fs)

Gene: XYLT1 (xylosyltransferase 1; minus strand). Cytogenetic location: 16p12.3.
Variant type: Deletion.
Coding change: c.1245del on transcript NM_022166.4 (MANE Select); coding-DNA position 1245, one base deleted (C; older notation c.1245delC).
Protein change: p.Trp416fs; shifts the reading frame from tryptophan 416.
Molecular consequence: frameshift variant.
Genome position (GRCh38, 1-based): chr16:17,198,256, G deleted on the plus strand (C on the coding strand, the reverse complement: XYLT1 is on the minus strand); the first of 3 consecutive G bases (chr16:17,198,256-17,198,258); deleting any one gives the same sequence. VCF-style (leftmost placement, unchanged base first): chr16-17198255-AG-A. GRCh37 (hg19) VCF-style: chr16-17292112-AG-A.
Other names: short protein forms W416fs.
Identifiers: ClinVar variation 4715309 (VCV004715309.1).
Genomic context (GRCh38, chr16:17,198,255, plus strand): 5'-GCCCTTGGCTGCCTTACCTGATGGGGTAGTCGGCCGCACTCAGGTTGATGAAGAAGTCCC[AG>A]GGCCAGTCGGTCATCTCCAGGAGGTCCCGCATGCTCTGCAGGTAGGTGGACAGGAGGCTG-3'

ClinVar aggregate classification (germline): Pathogenic (1 of 4 stars; one submission).

Conditions:
Desbuquois dysplasia 1 (DBQD1). Also called: DESBUQUOIS DYSPLASIA 1, KIM VARIANT; MICROMELIC DWARFISM WITH VERTEBRAL AND METAPHYSEAL ABNORMALITIES AND ADVANCED CARPOTARSAL OSSIFICATION. Identifiers: Orphanet 1425, MedGen C4012146, MONDO:0009629, OMIM 251450.

Submission:

Labcorp Genetics (formerly Invitae), Labcorp
Classification: Pathogenic for Desbuquois dysplasia 1. Last evaluated: 2025-03-18. Review status: criteria provided, single submitter. Criteria: Invitae Variant Classification Sherloc (09022015). Collection method: clinical testing. Allele origin: germline.
Comment: This sequence change creates a premature translational stop signal (p.Trp416Glyfs*7) in the XYLT1 gene. It is expected to result in an absent or disrupted protein product. Loss-of-function variants in XYLT1 are known to be pathogenic (PMID: 24581741, 26601923). This variant is not present in population databases (gnomAD no frequency). This variant has not been reported in the literature in individuals affected with XYLT1-related conditions. For these reasons, this variant has been classified as Pathogenic.

Literature cited by the submitters: PubMed 24581741; PubMed 26601923.